The following is an entry in ClinVar:

NM_001042492.3(NF1):c.1480T>A (p.Leu494Met)

Gene: NF1 (neurofibromin 1; plus strand). Cytogenetic location: 17q11.2.
Variant type: single nucleotide variant.
Coding change: c.1480T>A on transcript NM_001042492.3 (MANE Select); coding-DNA position 1480, T replaced by A.
Protein change: p.Leu494Met; replaces leucine 494 with methionine.
Molecular consequence: missense variant.
Genome position (GRCh38, 1-based): chr17:31,214,538, T>A. VCF-style: chr17-31214538-T-A. GRCh37 (hg19) VCF-style: chr17-29541556-T-A.
Other names: c.1480T>A, p.Leu494Met (NM_000267.4, NM_001128147.3); short protein forms L494M.
Identifiers: ClinVar variation 237517 (VCV000237517.5), dbSNP rs878853867, ClinGen allele CA10583472.

ClinVar aggregate classification (germline): Uncertain significance (1 of 4 stars; one submission).

Conditions:
Neurofibromatosis, type 1 (NF1). Also called: VON RECKLINGHAUSEN DISEASE; NEUROFIBROMATOSIS, TYPE I, SOMATIC; Peripheral type neurofibromatosis; Neurofibromatosis, type I. Identifiers: Orphanet 636, MedGen C0027831, MONDO:0018975, OMIM 162200. Disease mechanism: loss of function.

Submission:

Labcorp Genetics (formerly Invitae), Labcorp
Classification: Uncertain significance for Neurofibromatosis, type 1. Last evaluated: 2015-12-20. Review status: criteria provided, single submitter. Criteria: Invitae Variant Classification Sherloc (09022015). Collection method: clinical testing. Allele origin: germline.
Comment: This sequence change replaces leucine with methionine at codon 494 of the NF1 protein (p.Leu494Met). The leucine residue is moderately conserved and there is a small physicochemical difference between leucine and methionine. This variant is not present in population databases (ExAC no frequency) and has not been reported in the literature in individuals with a NF1-related disease. Algorithms developed to predict the effect of missense changes on protein structure and function do not agree on the potential impact of this missense change (SIFT: "Tolerated"; PolyPhen-2: "Probably Damaging"; Align-GVGD: "Class C0"). In summary, this is a novel missense change with uncertain impact on protein function. It has been classified as a Variant of Uncertain Significance.